The following is an entry in ClinVar:

NM_022725.4(FANCF):c.477G>A (p.Glu159=)

Gene: FANCF (FA complementation group F; minus strand). Cytogenetic location: 11p14.3.
Variant type: single nucleotide variant.
Coding change: c.477G>A on transcript NM_022725.4 (MANE Select); coding-DNA position 477, G replaced by A.
Protein change: p.Glu159=; no amino-acid change (glutamic acid 159 retained).
Molecular consequence: synonymous variant.
Genome position (GRCh38, 1-based): chr11:22,625,334, C>T on the plus strand (G>A on the coding strand, the complement: FANCF is on the minus strand). VCF-style: chr11-22625334-C-T. GRCh37 (hg19) VCF-style: chr11-22646880-C-T.
Identifiers: ClinVar variation 2810140 (VCV002810140.3), dbSNP rs2133797653, ClinGen allele CA473533534.

ClinVar aggregate classification (germline): Uncertain significance (1 of 4 stars; one submission).

Conditions:
Fanconi anemia (FA). Also called: Fanconi's anemia. Identifiers: Orphanet 84, MedGen C0015625, MeSH D005199, MONDO:0019391.

Submission:

Labcorp Genetics (formerly Invitae), Labcorp
Classification: Uncertain significance for Fanconi anemia. Last evaluated: 2022-11-30. Review status: criteria provided, single submitter. Criteria: Invitae Variant Classification Sherloc (09022015). Collection method: clinical testing. Allele origin: germline.
Comment: This sequence change affects codon 159 of the FANCF mRNA. It is a 'silent' change, meaning that it does not change the encoded amino acid sequence of the FANCF protein. This variant is not present in population databases (gnomAD no frequency). In summary, the available evidence is currently insufficient to determine the role of this variant in disease. Therefore, it has been classified as a Variant of Uncertain Significance. This variant has not been reported in the literature in individuals affected with FANCF-related conditions.